The following is an entry in ClinVar:

NM_006814.5(PSMF1):c.81T>G (p.His27Gln)

Gene: PSMF1 (proteasome inhibitor subunit 1; plus strand). Cytogenetic location: 20p13.
Variant type: single nucleotide variant.
Coding change: c.81T>G on transcript NM_006814.5 (MANE Select); coding-DNA position 81, T replaced by G.
Protein change: p.His27Gln; replaces histidine 27 with glutamine.
Molecular consequence: missense variant. On other transcripts: intron variant (1).
Genome position (GRCh38, 1-based): chr20:1,118,854, T>G. VCF-style: chr20-1118854-T-G. GRCh37 (hg19) VCF-style: chr20-1099497-T-G.
Other names: c.81T>G, p.His27Gln (NM_001323408.2, NM_001323409.2, NM_001323410.2 and 1 more transcripts); c.-136+5445T>G (NM_001323407.2); short protein forms H27Q.
Identifiers: ClinVar variation 3377301 (VCV003377301.2).

ClinVar aggregate classification (germline): Likely pathogenic (1 of 4 stars; one submission).

Conditions:
Complex neurodevelopmental disorder with motor features. Identifiers: MedGen CN322244, MONDO:0100516.

gnomAD v4.1: 1 of 1,613,940 alleles (0.000062%); highest among the groups gnomAD compares: Middle Eastern, 0.017%; no homozygotes.

Submission:

Victorian Clinical Genetics Services, Murdoch Childrens Research Institute
Classification: Likely pathogenic for Complex neurodevelopmental disorder with motor features. Last evaluated: 2026-07-08. Review status: criteria provided, single submitter. Criteria: ACMG Guidelines, 2015. Collection method: clinical testing. Allele origin: germline. Affected: yes.
Comment: This variant is classified as Likely pathogenic. Evidence in support of pathogenic classification: Variant is present in gnomAD (v4) <0.01 for a recessive condition (1 heterozygote, 0 homozygotes); This variant has limited previous evidence of pathogenicity in unrelated individual(s). This variant has been reported in the homozygous state in two unrelated individuals with a complex neurodevelopmental disorder (VCGS cohort). Additional information: Variant is predicted to result in a missense amino acid change from His to Gln; This variant is homozygous; This gene is associated with autosomal recessive disease; An alternative amino acid change at the same position has been observed in gnomAD (v4) (2 heterozygotes, 0 homozygotes); No published evidence of segregation with disease has been identified for this variant; No published functional evidence has been identified for this variant; No comparable missense variants have previous evidence for pathogenicity; Variant is located in the annotated PI31 proteasome regulator N-terminal domain (DECIPHER); Missense variant with inconclusive in silico prediction and uninformative conservation; Loss of function is a known mechanism of disease in this gene and is associated with complex neurodevelopmental disorder with motor features (MONDO:0100516), PSMF1-related (PMID: 41986367); Variants in this gene are known to have variable expressivity. Biallelic PSMF1 variants cause a phenotypic spectrum from early-onset Parkinson's disease or parkinsonism to perinatal lethality with neurological manifestations (PMID: 41986367).

Literature cited by the submitters: PubMed 41986367.